The following is an entry in ClinVar:

ClinVar aggregate classification (germline): Uncertain significance. Review status: criteria provided, multiple submitters, no conflicts (2 of 4 stars). 3 submissions from 3 submitters: Uncertain significance (3). Last evaluated 2025-10-14.

Conditions:
Inborn genetic diseases. Identifiers: MedGen C0950123, MeSH D030342.

Allele frequency attached by ClinVar (database versions not stated): ExAC 0.00001; gnomAD exomes 0.00001 and 0.00002; TOPMed 0.00002.
gnomAD v4.1: 6 of 1,614,184 alleles (0.00037%); highest among the groups gnomAD compares: Admixed American, 0.01%; no homozygotes.

Submissions (3):

Labcorp Genetics (formerly Invitae), Labcorp
Classification: Uncertain significance. Last evaluated: 2025-10-14. Review status: criteria provided, single submitter. Criteria: Invitae Variant Classification Sherloc (09022015). Collection method: clinical testing. Allele origin: germline.
Comment: This sequence change replaces isoleucine, which is neutral and non-polar, with valine, which is neutral and non-polar, at codon 1866 of the FLNB protein (p.Ile1866Val). This variant is present in population databases (rs752719887, gnomAD 0.01%). This variant has not been reported in the literature in individuals affected with FLNB-related conditions. ClinVar contains an entry for this variant (Variation ID: 1303721). Invitae Evidence Modeling of protein sequence and biophysical properties (such as structural, functional, and spatial information, amino acid conservation, physicochemical variation, residue mobility, and thermodynamic stability) indicates that this missense variant is not expected to disrupt FLNB protein function with a negative predictive value of 95%. In summary, the available evidence is currently insufficient to determine the role of this variant in disease. Therefore, it has been classified as a Variant of Uncertain Significance.

Ambry Genetics
Classification: Uncertain significance for Inborn genetic diseases. Last evaluated: 2021-06-22. Review status: criteria provided, single submitter. Criteria: Ambry Variant Classification Scheme 2023. Collection method: clinical testing. Allele origin: germline.

GeneDx
Classification: Uncertain significance. Last evaluated: 2020-08-03. Review status: criteria provided, single submitter. Criteria: GeneDx Variant Classification Process June 2021. Collection method: clinical testing. Allele origin: germline. Affected: yes.
Comment: In silico analysis supports that this missense variant does not alter protein structure/function; Has not been previously published as pathogenic or benign to our knowledge

NM_001457.4(FLNB):c.5596A>G (p.Ile1866Val)

Gene: FLNB (filamin B; plus strand). Cytogenetic location: 3p14.3.
Variant type: single nucleotide variant.
Coding change: c.5596A>G on transcript NM_001457.4 (MANE Select); coding-DNA position 5596, A replaced by G.
Protein change: p.Ile1866Val; replaces isoleucine 1866 with valine.
Molecular consequence: missense variant.
Genome position (GRCh38, 1-based): chr3:58,146,861, A>G. VCF-style: chr3-58146861-A-G. GRCh37 (hg19) VCF-style: chr3-58132588-A-G.
Other names: c.5689A>G, p.Ile1897Val (NM_001164317.2); c.5563A>G, p.Ile1855Val (NM_001164318.2); c.5524A>G, p.Ile1842Val (NM_001164319.2); short protein forms I1842V, I1855V, I1866V, I1897V.
Identifiers: ClinVar variation 1303721 (VCV001303721.7), dbSNP rs752719887, ClinGen allele CA2469117.